The following is an entry in ClinVar:

NM_000138.5(FBN1):c.1472T>C (p.Val491Ala)

Gene: FBN1 (fibrillin 1; minus strand). Cytogenetic location: 15q21.1.
Variant type: single nucleotide variant.
Coding change: c.1472T>C on transcript NM_000138.5 (MANE Select); coding-DNA position 1472, T replaced by C.
Protein change: p.Val491Ala; replaces valine 491 with alanine.
Molecular consequence: missense variant.
Genome position (GRCh38, 1-based): chr15:48,513,665, A>G on the plus strand (T>C on the coding strand, the complement: FBN1 is on the minus strand). VCF-style: chr15-48513665-A-G. GRCh37 (hg19) VCF-style: chr15-48805862-A-G.
Other names: short protein forms V491A.
Identifiers: ClinVar variation 919237 (VCV000919237.7), dbSNP rs2043779139, ClinGen allele CA392342863.

ClinVar aggregate classification (germline): Uncertain significance. Review status: criteria provided, multiple submitters, no conflicts (2 of 4 stars). 2 submissions from 2 submitters: Uncertain significance (2). Last evaluated 2022-03-16.

Conditions:
Familial thoracic aortic aneurysm and aortic dissection (TAAD). Also called: Thoracic aortic aneurysms and dissections. Identifiers: Orphanet 91387, MedGen C4707243, MONDO:0019625.
Marfan syndrome (MFS). Also called: Marfan syndrome, classic; Marfan syndrome type 1; Marfan's syndrome; FBN1-Related Marfan Syndrome; MARFAN SYNDROME, TYPE I. Identifiers: Orphanet 284963, Orphanet 558, MedGen C0024796, MONDO:0007947, OMIM 154700.

Allele frequency attached by ClinVar (database versions not stated): gnomAD exomes below 0.00001.
gnomAD v4.1: 2 of 1,613,964 alleles (0.00012%); highest among the groups gnomAD compares: Non-Finnish European, 0.00017%; no homozygotes.

Submissions (2):

Labcorp Genetics (formerly Invitae), Labcorp
Classification: Uncertain significance for Marfan syndrome; Familial thoracic aortic aneurysm and aortic dissection. Last evaluated: 2022-03-16. Review status: criteria provided, single submitter. Criteria: Invitae Variant Classification Sherloc (09022015). Collection method: clinical testing. Allele origin: germline.
Comment: In summary, the available evidence is currently insufficient to determine the role of this variant in disease. Therefore, it has been classified as a Variant of Uncertain Significance. Algorithms developed to predict the effect of missense changes on protein structure and function (SIFT, PolyPhen-2, Align-GVGD) all suggest that this variant is likely to be tolerated. ClinVar contains an entry for this variant (Variation ID: 919237). This variant has not been reported in the literature in individuals affected with FBN1-related conditions. This variant is not present in population databases (gnomAD no frequency). This sequence change replaces valine, which is neutral and non-polar, with alanine, which is neutral and non-polar, at codon 491 of the FBN1 protein (p.Val491Ala).

Color Diagnostics, LLC DBA Color Health
Classification: Uncertain significance for Familial thoracic aortic aneurysm and aortic dissection. Last evaluated: 2019-12-09. Review status: criteria provided, single submitter. Criteria: ACMG Guidelines, 2015. Collection method: clinical testing. Allele origin: germline.
Comment: This missense variant replaces valine with alanine at codon 491 of the FBN1 protein. Computational prediction suggests that this variant may not impact protein structure and function (internally defined REVEL score threshold <= 0.5, PMID: 27666373). Splice site prediction tools suggest that this variant may not impact RNA splicing. To our knowledge, functional studies have not been performed for this variant. This variant has not been reported in an individual affected with thoracic aortic aneurysm (PMID: 28659821). This variant has not been identified in the general population by the Genome Aggregation Database (gnomAD). The available evidence is insufficient to determine the role of this variant in disease conclusively. Therefore, this variant is classified as a Variant of Uncertain Significance.